The following is an entry in ClinVar:

ClinVar aggregate classification (germline): Likely benign (0 of 4 stars; one submission).

Conditions:
ADCY3-related disorder. Also called: ADCY3-related condition.

Allele frequency attached by ClinVar (database versions not stated): ExAC 0.00001; gnomAD exomes 0.00001; TOPMed 0.00001.
gnomAD v4.1: 11 of 1,614,230 alleles (0.00068%); highest among the groups gnomAD compares: Admixed American, 0.0017%; no homozygotes.

Submission:

PreventionGenetics, part of Exact Sciences
Classification: Likely benign for ADCY3-related condition. Last evaluated: 2024-02-15. Review status: no assertion criteria provided. Collection method: clinical testing. Allele origin: germline.
Comment: This variant is classified as likely benign based on ACMG/AMP sequence variant interpretation guidelines (Richards et al. 2015 PMID: 25741868, with internal and published modifications).

NM_004036.5(ADCY3):c.2289C>T (p.Ile763=)

Gene: ADCY3 (adenylate cyclase 3; minus strand). Cytogenetic location: 2p23.3.
Variant type: single nucleotide variant.
Coding change: c.2289C>T on transcript NM_004036.5 (MANE Select); coding-DNA position 2289, C replaced by T.
Protein change: p.Ile763=; no amino-acid change (isoleucine 763 retained).
Molecular consequence: synonymous variant. On other transcripts: intron variant (2).
Genome position (GRCh38, 1-based): chr2:24,828,045, G>A on the plus strand (C>T on the coding strand, the complement: ADCY3 is on the minus strand). VCF-style: chr2-24828045-G-A. GRCh37 (hg19) VCF-style: chr2-25050914-G-A.
Other names: c.2289C>T, p.Ile763= (NM_001320613.2, NM_001377132.1); c.2355C>T, p.Ile785= (NM_001377128.1); c.1566C>T, p.Ile522= (NM_001377131.1); c.2172+2664C>T (NM_001377130.1); c.2173-22C>T (NM_001377129.1).
Identifiers: ClinVar variation 3031901 (VCV003031901.2), dbSNP rs750011135, ClinGen allele CA1553814.